The following is an entry in ClinVar:

NM_000530.8(MPZ):c.310G>A (p.Asp104Asn)

Gene: MPZ (myelin protein zero; minus strand). Cytogenetic location: 1q23.3.
Variant type: single nucleotide variant.
Coding change: c.310G>A on transcript NM_000530.8 (MANE Select); coding-DNA position 310, G replaced by A.
Protein change: p.Asp104Asn; replaces aspartic acid 104 with asparagine.
Molecular consequence: missense variant.
Genome position (GRCh38, 1-based): chr1:161,306,846, C>T on the plus strand (G>A on the coding strand, the complement: MPZ is on the minus strand). VCF-style: chr1-161306846-C-T. GRCh37 (hg19) VCF-style: chr1-161276636-C-T.
Other names: c.310G>A (LRG_256t1); c.310G>A, p.Asp104Asn (NM_001315491.2); short protein forms D104N.
Identifiers: ClinVar variation 638843 (VCV000638843.8), dbSNP rs777378929, ClinGen allele CA1210185.
Genomic context (GRCh38, chr1:161,306,846, plus strand): 5'-TGCCATTGTCACTGTAGTCTAGGTTGTGTATGACAATGGAGCCATCCTTCCAGCGAGGGT[C>T]CCCTACCCACTGGATGCGCTCTTTGAAGGTCCCCACCTCGTCAATGTAGGGTTGTCCCTT-3'
Protein context (NP_000521.2, residues 94-114): TFKERIQWVG[Asp104Asn]PRWKDGSIVI

ClinVar aggregate classification (germline): Uncertain significance (1 of 4 stars; one submission).

Conditions:
Charcot-Marie-Tooth disease, type I (CMT1). Also called: Charcot-Marie-Tooth, Type 1; Charcot-Marie-Tooth disease type 1. Identifiers: Orphanet 65753, MedGen C0751036, MONDO:0019011.

Allele frequency attached by ClinVar (database versions not stated): gnomAD below 0.00001 and 0.00001; TOPMed 0.00001; gnomAD exomes 0.00003 and 0.00006; ExAC 0.00006.

Submission:

Labcorp Genetics (formerly Invitae), Labcorp
Classification: Uncertain significance for Charcot-Marie-Tooth disease, type I. Last evaluated: 2024-03-18. Review status: criteria provided, single submitter. Criteria: Invitae Variant Classification Sherloc (09022015). Collection method: clinical testing. Allele origin: germline.
Comment: This sequence change replaces aspartic acid, which is acidic and polar, with asparagine, which is neutral and polar, at codon 104 of the MPZ protein (p.Asp104Asn). This variant is present in population databases (rs777378929, gnomAD 0.05%), and has an allele count higher than expected for a pathogenic variant. This variant has not been reported in the literature in individuals affected with MPZ-related conditions. ClinVar contains an entry for this variant (Variation ID: 638843). Advanced modeling of protein sequence and biophysical properties (such as structural, functional, and spatial information, amino acid conservation, physicochemical variation, residue mobility, and thermodynamic stability) performed at Invitae indicates that this missense variant is not expected to disrupt MPZ protein function with a negative predictive value of 80%. In summary, the available evidence is currently insufficient to determine the role of this variant in disease. Therefore, it has been classified as a Variant of Uncertain Significance.